The following is an entry in ClinVar:

ClinVar aggregate classification (germline): Uncertain significance (1 of 4 stars; one submission).

Allele frequency attached by ClinVar (database versions not stated): gnomAD exomes 0.00001; ExAC 0.00002.
gnomAD v4.1: 6 of 1,614,056 alleles (0.00037%); highest among the groups gnomAD compares: Non-Finnish European, 0.00051%; no homozygotes.

Submission:

GeneDx
Classification: Uncertain significance. Last evaluated: 2022-10-27. Review status: criteria provided, single submitter. Criteria: GeneDx Variant Classification Process June 2021. Collection method: clinical testing. Allele origin: germline. Affected: yes.
Comment: Not observed at significant frequency in large population cohorts (gnomAD); In silico analysis supports that this missense variant has a deleterious effect on protein structure/function; Has not been previously published as pathogenic or benign to our knowledge

NM_002887.4(RARS1):c.653G>C (p.Gly218Ala)

Gene: RARS1 (arginyl-tRNA synthetase 1; plus strand). Cytogenetic location: 5q34.
Variant type: single nucleotide variant.
Coding change: c.653G>C on transcript NM_002887.4 (MANE Select); coding-DNA position 653, G replaced by C.
Protein change: p.Gly218Ala; replaces glycine 218 with alanine.
Molecular consequence: missense variant.
Genome position (GRCh38, 1-based): chr5:168,495,388, G>C. VCF-style: chr5-168495388-G-C. GRCh37 (hg19) VCF-style: chr5-167922393-G-C.
Other names: short protein forms G218A.
Identifiers: ClinVar variation 2500454 (VCV002500454.1), dbSNP rs756877831, ClinGen allele CA3549669.